The following is an entry in ClinVar:

ClinVar aggregate classification (germline): Benign. Review status: criteria provided, multiple submitters, no conflicts (2 of 4 stars). 4 submissions from 4 submitters: Benign (4). Last evaluated 2024-01-24.

Conditions:
Kindler syndrome (KNDLRS). Also called: BULLOUS ACROKERATOTIC POIKILODERMA OF KINDLER AND WEARY; Poikiloderma of Kindler; Congenital bullous poikiloderma; POIKILODERMA, CONGENITAL, WITH BULLAE, WEARY TYPE; POIKILODERMA, HEREDITARY ACROKERATOTIC; Kindler's syndrome. Identifiers: Orphanet 2908, Orphanet 306539, MedGen C0406557, MONDO:0008260, OMIM 173650.

Allele frequency attached by ClinVar (database versions not stated): gnomAD 0.69211 and 0.69720; ESP Exome Variant Server 0.69591; gnomAD exomes 0.69669; TOPMed 0.71357; ExAC 0.71408; 1000 Genomes Project 30x 0.75765; 1000 Genomes Project 0.76078.
gnomAD v4.1: 1,088,834 of 1,596,182 alleles (68%); highest among the groups gnomAD compares: East Asian, 85%; 374,388 homozygotes.

Submissions (4):

Unidad de Genómica Garrahan, Hospital de Pediatría Garrahan
Classification: Benign. Last evaluated: 2024-01-24. Review status: criteria provided, single submitter. Criteria: ACMG Guidelines, 2015. Collection method: clinical testing. Allele origin: germline. Affected: no. Observed: 79 variant alleles.
Comment: This variant is classified as Benign based on local population frequency. This variant was detected in 90% of patients studied by a panel of primary immunodeficiencies. Number of patients: 79. Only high quality variants are reported.

Genome-Nilou Lab
Classification: Benign for Kindler syndrome. Last evaluated: 2021-08-10. Review status: criteria provided, single submitter. Criteria: ACMG Guidelines, 2015. Collection method: clinical testing. Allele origin: germline. Affected: no.

GeneDx
Classification: Benign. Last evaluated: 2018-11-11. Review status: criteria provided, single submitter. Criteria: GeneDx Variant Classification Process June 2021. Collection method: clinical testing. Allele origin: germline. Affected: yes.

Breakthrough Genomics
Classification: Benign. Review status: criteria provided, single submitter. Criteria: ACMG Guidelines, 2015. Collection method: not provided. Allele origin: germline. Inheritance: Autosomal recessive inheritance. Affected: yes.

NM_017671.5(FERMT1):c.1594-28A>G

Gene: FERMT1 (FERM domain containing kindlin 1; minus strand). Cytogenetic location: 20p12.3.
Variant type: single nucleotide variant.
Coding change: c.1594-28A>G on transcript NM_017671.5 (MANE Select); 28 bases into the intron before coding-DNA position 1594, A replaced by G.
Molecular consequence: intron variant.
Genome position (GRCh38, 1-based): chr20:6,084,192, T>C on the plus strand (A>G on the coding strand, the complement: FERMT1 is on the minus strand). VCF-style: chr20-6084192-T-C. GRCh37 (hg19) VCF-style: chr20-6064839-T-C.
Identifiers: ClinVar variation 1222194 (VCV001222194.7), dbSNP rs2232077, ClinGen allele CA9758089.
Genomic context (GRCh38, chr20:6,084,192, plus strand): 5'-GTTCTGGTGCGCCTCCAGGATCCGGGCGGCCAGCTGAACAGAAACAGACATCAACCTCTC[T>C]TCACATGCACCGGCTGCTCTGTGATCACCCTGTTAGCTCCAGATCCCCCATAAGAACAAT-3'